The following is an entry in ClinVar:

NM_004006.3(DMD):c.694A>C (p.Ile232Leu)

Gene: DMD (dystrophin; minus strand). Cytogenetic location: Xp21.1.
Variant type: single nucleotide variant.
Coding change: c.694A>C on transcript NM_004006.3 (MANE Select); coding-DNA position 694, A replaced by C.
Protein change: p.Ile232Leu; replaces isoleucine 232 with leucine.
Molecular consequence: missense variant.
Genome position (GRCh38, 1-based): chrX:32,699,249, T>G on the plus strand (A>C on the coding strand, the complement: DMD is on the minus strand). VCF-style: chrX-32699249-T-G. GRCh37 (hg19) VCF-style: chrX-32717366-T-G.
Other names: c.670A>C, p.Ile224Leu (NM_000109.4); c.682A>C, p.Ile228Leu (NM_004009.3); c.325A>C, p.Ile109Leu (NM_004010.3); short protein forms I232L, I224L, I228L, I109L.
Identifiers: ClinVar variation 264201 (VCV000264201.9), dbSNP rs758447768, ClinGen allele CA10380085.
Genomic context (GRCh38, chrX:32,699,249, plus strand): 5'-CCACTTCCTGGATGGCTTCAATGCTCACTTGTTGAGGCAAAACTTGGAAGAGTGATGTGA[T>G]GTACATTAAGATGGACTTCTTATCTGGATAGGTGGTATCAACATCTGTAAGCACATTAAC-3'
Protein context (NP_003997.2, residues 222-242): YPDKKSILMY[Ile232Leu]TSLFQVLPQQ

ClinVar aggregate classification (germline): Conflicting classifications of pathogenicity. Review status: criteria provided, conflicting classifications (1 of 4 stars). 3 submissions from 3 submitters: Uncertain significance (1); Likely benign (1). 1 of the submissions does not count toward it. Last evaluated 2023-12-29.

Conditions:
Cardiovascular phenotype. Identifiers: MedGen CN230736.
Cardiomyopathy (CMYO). Also called: Cardiomyopathies. Identifiers: Orphanet 167848, MedGen C0878544, MONDO:0004994, HP:0001638. Inheritance: Various modes of inheritance.
Becker muscular dystrophy (BMD). Also called: MUSCULAR DYSTROPHY, PSEUDOHYPERTROPHIC PROGRESSIVE, BECKER TYPE; Becker Muscular Dystrophy (BMD). Identifiers: Orphanet 98895, MedGen C0917713, MONDO:0010311, OMIM 300376.
Duchenne muscular dystrophy (DMD). Also called: Duchenne Muscular Dystrophy (DMD); MUSCULAR DYSTROPHY, PSEUDOHYPERTROPHIC PROGRESSIVE, DUCHENNE TYPE. Identifiers: Orphanet 98896, MedGen C0013264, MONDO:0010679, OMIM 310200.
Dystrophin deficiency.

Allele frequency attached by ClinVar (database versions not stated): gnomAD exomes below 0.00001 and 0.00001; ExAC 0.00001.
gnomAD v4.1: 3 of 1,209,618 alleles (0.00025%); highest among the groups gnomAD compares: Non-Finnish European, 0.00034%; no homozygotes.

Submissions (3):

Labcorp Genetics (formerly Invitae), Labcorp
Classification: Likely benign for Duchenne muscular dystrophy. Last evaluated: 2023-12-29. Review status: criteria provided, single submitter. Criteria: Invitae Variant Classification Sherloc (09022015). Collection method: clinical testing. Allele origin: germline.

Ambry Genetics
Classification: Uncertain significance for Cardiovascular phenotype. Last evaluated: 2015-07-28. Review status: criteria provided, single submitter. Criteria: Ambry Variant Classification Scheme 2023. Collection method: clinical testing. Allele origin: germline.
Comment: The p.I232L variant (also known as c.694A>C), located in coding exon 8 of the DMD gene, results from an A to C substitution at nucleotide position 694. The isoleucine at codon 232 is replaced by leucine, an amino acid with highly similar properties. Based on data from ExAC, the C allele was reported in 1 of 87452 total alleles (Exome Aggregation Consortium (ExAC), Cambridge, MA (URL) [Accessed July 27,2015]). This variant was not reported in population based cohorts in the following databases: Database of Single Nucleotide Polymorphisms (dbSNP), NHLBI Exome Sequencing Project (ESP), and 1000 Genomes Project. In the ESP, this variant was not observed in 6502 samples with coverage at this position. This amino acid position is poorly conserved in available vertebrate species. In addition, this alteration is predicted to be tolerated by in silico analysis. Since supporting evidence for this variant is limited at this time, its clinical significance is unclear.

Natera, Inc.
Classification: Uncertain significance for Becker muscular dystrophy; Cardiomyopathy; Duchenne muscular dystrophy; Dystrophin deficiency. Last evaluated: 2019-07-08. Review status: no assertion criteria provided. Collection method: clinical testing. Allele origin: germline. Not counted in ClinVar's aggregate classification.